The following is an entry in ClinVar:

NM_000179.3(MSH6):c.176C>A (p.Pro59His)

Gene: MSH6 (mutS homolog 6; plus strand). Cytogenetic location: 2p16.3.
Variant type: single nucleotide variant.
Coding change: c.176C>A on transcript NM_000179.3 (MANE Select); coding-DNA position 176, C replaced by A.
Protein change: p.Pro59His; replaces proline 59 with histidine.
Molecular consequence: missense variant. On other transcripts: 5 prime UTR variant (7), non-coding transcript variant (5), intron variant (5).
Genome position (GRCh38, 1-based): chr2:47,783,409, C>A. VCF-style: chr2-47783409-C-A. GRCh37 (hg19) VCF-style: chr2-48010548-C-A.
Other names: c.176C>A, p.Pro59His (NM_001406809.1, NM_001406813.1, NM_001406817.1 and 9 more transcripts); c.-561C>A (NM_001406811.1, NM_001281493.2); c.-408C>A (NM_001406812.1); c.-819C>A (NM_001406814.1); c.-364C>A (NM_001406816.1); c.-153C>A (NM_001406799.1); c.121C>A, p.Pro41Thr (NM_001406804.1); c.-753C>A (NM_001406807.1); and 3 more; short protein forms P41T, P59H.
Identifiers: ClinVar variation 2846815 (VCV002846815.3), dbSNP rs1668129135, ClinGen allele CA346735006.

ClinVar aggregate classification (germline): Uncertain significance (1 of 4 stars; one submission).

Conditions:
Hereditary nonpolyposis colorectal neoplasms. Identifiers: MedGen C0009405, MeSH D003123.

gnomAD v4.1: 1 of 1,528,590 alleles (0.000065%); highest among the groups gnomAD compares: Non-Finnish European, 0.000088%; no homozygotes.

Submission:

Labcorp Genetics (formerly Invitae), Labcorp
Classification: Uncertain significance for Hereditary nonpolyposis colorectal neoplasms. Last evaluated: 2023-03-18. Review status: criteria provided, single submitter. Criteria: Invitae Variant Classification Sherloc (09022015). Collection method: clinical testing. Allele origin: germline.
Comment: This variant has not been reported in the literature in individuals affected with MSH6-related conditions. This sequence change replaces proline, which is neutral and non-polar, with histidine, which is basic and polar, at codon 59 of the MSH6 protein (p.Pro59His). This variant is not present in population databases (gnomAD no frequency). Advanced modeling of protein sequence and biophysical properties (such as structural, functional, and spatial information, amino acid conservation, physicochemical variation, residue mobility, and thermodynamic stability) performed at Invitae indicates that this missense variant is not expected to disrupt MSH6 protein function. In summary, the available evidence is currently insufficient to determine the role of this variant in disease. Therefore, it has been classified as a Variant of Uncertain Significance.